The following is an entry in ClinVar:

ClinVar aggregate classification (germline): Uncertain significance. Review status: criteria provided, multiple submitters, no conflicts (2 of 4 stars). 2 submissions from 2 submitters: Uncertain significance (2). Last evaluated 2024-12-06.

Conditions:
DiGeorge syndrome. Also called: THIRD AND FOURTH PHARYNGEAL POUCH SYNDROME; Catch22. Identifiers: Orphanet 567, MedGen C0012236, MONDO:0008564, OMIM 188400.

Submissions (2):

Labcorp Genetics (formerly Invitae), Labcorp
Classification: Uncertain significance for DiGeorge syndrome. Last evaluated: 2024-12-06. Review status: criteria provided, single submitter. Criteria: Invitae Variant Classification Sherloc (09022015). Collection method: clinical testing. Allele origin: germline.
Comment: This sequence change replaces leucine, which is neutral and non-polar, with proline, which is neutral and non-polar, at codon 364 of the TBX1 protein (p.Leu364Pro). This variant is not present in population databases (gnomAD no frequency). This variant has not been reported in the literature in individuals affected with TBX1-related conditions. An algorithm developed to predict the effect of missense changes on protein structure and function (PolyPhen-2) suggests that this variant is likely to be tolerated. In summary, the available evidence is currently insufficient to determine the role of this variant in disease. Therefore, it has been classified as a Variant of Uncertain Significance.

Blueprint Genetics
Classification: Uncertain significance. Last evaluated: 2020-10-10. Review status: criteria provided, single submitter. Criteria: ACMG Guidelines, 2015. Collection method: clinical testing. Allele origin: germline.

NM_001379200.1(TBX1):c.1118T>C (p.Leu373Pro)

Gene: TBX1 (T-box transcription factor 1; plus strand). Cytogenetic location: 22q11.21.
Variant type: single nucleotide variant.
Coding change: c.1118T>C on transcript NM_001379200.1 (MANE Select); coding-DNA position 1118, T replaced by C.
Protein change: p.Leu373Pro; replaces leucine 373 with proline.
Molecular consequence: missense variant. On other transcripts: intron variant (2).
Genome position (GRCh38, 1-based): chr22:19,766,470, T>C. VCF-style: chr22-19766470-T-C. GRCh37 (hg19) VCF-style: chr22-19753993-T-C.
Other names: c.1091T>C, p.Leu364Pro (NM_080647.1); c.1009+468T>C (NM_005992.1, NM_080646.2); short protein forms L373P, L364P.
Identifiers: ClinVar variation 3718542 (VCV003718542.3).